The following is an entry in ClinVar:

NM_000815.5(GABRD):c.907C>T (p.Arg303Trp)

Gene: GABRD (gamma-aminobutyric acid type A receptor subunit delta; plus strand). Cytogenetic location: 1p36.33.
Variant type: single nucleotide variant.
Coding change: c.907C>T on transcript NM_000815.5 (MANE Select); coding-DNA position 907, C replaced by T.
Protein change: p.Arg303Trp; replaces arginine 303 with tryptophan.
Molecular consequence: missense variant.
Genome position (GRCh38, 1-based): chr1:2,029,610, C>T. VCF-style: chr1-2029610-C-T. GRCh37 (hg19) VCF-style: chr1-1961049-C-T.
Other names: short protein forms R303W.
Identifiers: ClinVar variation 1992604 (VCV001992604.4), dbSNP rs2525646202, ClinGen allele CA337960017.

ClinVar aggregate classification (germline): Uncertain significance (1 of 4 stars; one submission).

Conditions:
Idiopathic generalized epilepsy. Also called: EIG; Generalised epilepsy. Identifiers: MedGen C0270850, MONDO:0005579, OMIM 600669.

Submission:

Labcorp Genetics (formerly Invitae), Labcorp
Classification: Uncertain significance for Idiopathic generalized epilepsy. Last evaluated: 2022-09-27. Review status: criteria provided, single submitter. Criteria: Invitae Variant Classification Sherloc (09022015). Collection method: clinical testing. Allele origin: germline.
Comment: This sequence change replaces arginine, which is basic and polar, with tryptophan, which is neutral and slightly polar, at codon 303 of the GABRD protein (p.Arg303Trp). This variant is not present in population databases (gnomAD no frequency). This variant has not been reported in the literature in individuals affected with GABRD-related conditions. Algorithms developed to predict the effect of missense changes on protein structure and function are either unavailable or do not agree on the potential impact of this missense change (SIFT: "Deleterious"; PolyPhen-2: "Probably Damaging"; Align-GVGD: "Class C0"). In summary, the available evidence is currently insufficient to determine the role of this variant in disease. Therefore, it has been classified as a Variant of Uncertain Significance.